The following is an entry in ClinVar:

NM_000122.2(ERCC3):c.347A>G (p.Tyr116Cys)

Gene: ERCC3 (ERCC excision repair 3, TFIIH core complex helicase subunit; minus strand). Cytogenetic location: 2q14.3.
Variant type: single nucleotide variant.
Coding change: c.347A>G on transcript NM_000122.2 (MANE Select); coding-DNA position 347, A replaced by G.
Protein change: p.Tyr116Cys; replaces tyrosine 116 with cysteine.
Molecular consequence: missense variant.
Genome position (GRCh38, 1-based): chr2:127,292,734, T>C on the plus strand (A>G on the coding strand, the complement: ERCC3 is on the minus strand). VCF-style: chr2-127292734-T-C. GRCh37 (hg19) VCF-style: chr2-128050310-T-C.
Other names: c.155A>G, p.Tyr52Cys (NM_001303416.2, NM_001303418.2); short protein forms Y116C, Y52C.
Identifiers: ClinVar variation 1924035 (VCV001924035.5), dbSNP rs754522317, ClinGen allele CA1858563.

ClinVar aggregate classification (germline): Uncertain significance (1 of 4 stars; one submission).

Allele frequency attached by ClinVar (database versions not stated): gnomAD 0.00001; ExAC 0.00002; gnomAD exomes 0.00002; TOPMed 0.00002.
gnomAD v4.1: 12 of 1,613,998 alleles (0.00074%); highest among the groups gnomAD compares: East Asian, 0.027%; no homozygotes.

Submission:

Labcorp Genetics (formerly Invitae), Labcorp
Classification: Uncertain significance. Last evaluated: 2022-05-25. Review status: criteria provided, single submitter. Criteria: Invitae Variant Classification Sherloc (09022015). Collection method: clinical testing. Allele origin: germline.
Comment: This sequence change replaces tyrosine, which is neutral and polar, with cysteine, which is neutral and slightly polar, at codon 116 of the ERCC3 protein (p.Tyr116Cys). This variant is present in population databases (rs754522317, gnomAD 0.01%). This variant has not been reported in the literature in individuals affected with ERCC3-related conditions. In summary, the available evidence is currently insufficient to determine the role of this variant in disease. Therefore, it has been classified as a Variant of Uncertain Significance. Algorithms developed to predict the effect of missense changes on protein structure and function are either unavailable or do not agree on the potential impact of this missense change (SIFT: "Deleterious"; PolyPhen-2: "Probably Damaging"; Align-GVGD: "Class C0").